The following is an entry in ClinVar:

NM_001876.4(CPT1A):c.163T>C (p.Tyr55His)

Gene: CPT1A (carnitine palmitoyltransferase 1A; minus strand). Cytogenetic location: 11q13.3.
Variant type: single nucleotide variant.
Coding change: c.163T>C on transcript NM_001876.4 (MANE Select); coding-DNA position 163, T replaced by C.
Protein change: p.Tyr55His; replaces tyrosine 55 with histidine.
Molecular consequence: missense variant.
Genome position (GRCh38, 1-based): chr11:68,812,555, A>G on the plus strand (T>C on the coding strand, the complement: CPT1A is on the minus strand). VCF-style: chr11-68812555-A-G. GRCh37 (hg19) VCF-style: chr11-68580023-A-G.
Other names: c.163T>C, p.Tyr55His (NM_001031847.3); short protein forms Y55H.
Identifiers: ClinVar variation 2092963 (VCV002092963.4), dbSNP rs2495682294, ClinGen allele CA381638153.

ClinVar aggregate classification (germline): Uncertain significance (1 of 4 stars; one submission).

Conditions:
Carnitine palmitoyl transferase 1A deficiency. Also called: Carnitine palmitoyltransferase type I deficiency; Carnitine palmitoyltransferase 1A deficiency; CPT I DEFICIENCY; CPT DEFICIENCY, HEPATIC, TYPE I; CPT deficiency, hepatic, type IA. Identifiers: Orphanet 156, MedGen C1829703, MONDO:0009705, OMIM 255120.

Submission:

Labcorp Genetics (formerly Invitae), Labcorp
Classification: Uncertain significance for Carnitine palmitoyl transferase 1A deficiency. Last evaluated: 2022-02-04. Review status: criteria provided, single submitter. Criteria: Invitae Variant Classification Sherloc (09022015). Collection method: clinical testing. Allele origin: germline.
Comment: In summary, the available evidence is currently insufficient to determine the role of this variant in disease. Therefore, it has been classified as a Variant of Uncertain Significance. Algorithms developed to predict the effect of missense changes on protein structure and function are either unavailable or do not agree on the potential impact of this missense change (SIFT: "Deleterious"; PolyPhen-2: "Probably Damaging"; Align-GVGD: "Class C0"). This variant has not been reported in the literature in individuals affected with CPT1A-related conditions. This variant is not present in population databases (gnomAD no frequency). This sequence change replaces tyrosine, which is neutral and polar, with histidine, which is basic and polar, at codon 55 of the CPT1A protein (p.Tyr55His).